The following is an entry in ClinVar:

NM_000443.4(ABCB4):c.*29A>C

Gene: ABCB4 (ATP binding cassette subfamily B member 4; minus strand). Cytogenetic location: 7q21.12.
Variant type: single nucleotide variant.
Coding change: c.*29A>C on transcript NM_000443.4 (MANE Select); 29 bases downstream of the stop codon, A replaced by C.
Molecular consequence: 3 prime UTR variant.
Genome position (GRCh38, 1-based): chr7:87,402,067, T>G on the plus strand (A>C on the coding strand, the complement: ABCB4 is on the minus strand). VCF-style: chr7-87402067-T-G. GRCh37 (hg19) VCF-style: chr7-87031383-T-G.
Other names: c.*29A>C (NM_018849.3, NM_018850.3).
Identifiers: ClinVar variation 4846326 (VCV004846326.1).
Genomic context (GRCh38, chr7:87,402,067, plus strand): 5'-TATGATGACAAACCAGAAACTTATTTTACAAGTCAGATAAAATGGTAGAATAATTTGAAT[T>G]TATTTTTAAAATATACTGTAGCAAAAGTTCATAAGTTCTGTGTCCCAGCCTGGACACTGA-3'

ClinVar aggregate classification (germline): Uncertain significance (1 of 4 stars; one submission).

Conditions:
Familial intrahepatic cholestasis. Identifiers: Orphanet 284385, MedGen CN296401, MONDO:0017290.
Low phospholipid associated cholelithiasis (GBD1). Also called: Gallbladder disease 1; Gallstone cholecystitis. Identifiers: Orphanet 69663, MedGen C2609268, MONDO:0010939, OMIM 600803.

gnomAD v4.1: 3 of 1,612,524 alleles (0.00019%); highest among the groups gnomAD compares: African/African-American, 0.0027%; no homozygotes.

Submission:

Genomenon, Inc
Classification: Uncertain significance for Familial intrahepatic cholestasis; Low phospholipid associated cholelithiasis. Last evaluated: 2026-04-14. Review status: criteria provided, single submitter. Criteria: Genomenon Sequence Variant Interpretation Standards - Updated. Collection method: curation. Allele origin: germline. Affected: no.
Comment: ABCB4 c.*29A>C is a variant located in the 3′ untranslated region (3′ UTR). This variant has been reported in the published literature (PMID:30079523). It is absent or not present at a significant frequency in gnomAD. In conclusion, we classify ABCB4 c.*29A>C as a variant of uncertain significance.

Literature cited by the submitters: PubMed 30079523.